The following is an entry in ClinVar:

NM_001267550.2(TTN):c.66176dup (p.Cys22059fs)

Genes: TTN (titin; minus strand), TTN-AS1 (TTN antisense RNA 1; plus strand). Cytogenetic location: 2q31.2.
Variant type: Duplication.
Coding change: c.66176dup on transcript NM_001267550.2 (MANE Select); coding-DNA position 66176, one base duplicated (G; older notation c.66176dupG).
Protein change: p.Cys22059fs; shifts the reading frame from cysteine 22059.
Molecular consequence: frameshift variant.
Genome position (GRCh38, 1-based): chr2:178,582,193, C duplicated on the plus strand (G on the coding strand, the reverse complement: TTN is on the minus strand). VCF-style (leftmost placement, unchanged base first): chr2-178582192-A-AC. GRCh37 (hg19) VCF-style: chr2-179446919-A-AC.
Other names: c.61253dup, p.Cys20418fs (NM_001256850.1); c.38981dup, p.Cys12994fs (NM_003319.4); c.58472dup, p.Cys19491fs (NM_133378.4); c.39356dup, p.Cys13119fs (NM_133432.3); c.39557dup, p.Cys13186fs (NM_133437.4); c.38981dupG (NM_003319.4); short protein forms C13119fs, C13186fs, C12994fs, C19491fs, C20418fs, C22059fs.
Identifiers: ClinVar variation 1735954 (VCV001735954.4), dbSNP rs2469016068, ClinGen allele CA2580064744.
Genomic context (GRCh38, chr2:178,582,192, plus strand): 5'-TGGTGGCTTCCAGCTGACTGTCATGTGATCTTTGGTTATGTTGCTAATAACAGGAGGATC[A>AC]CAGCGTCCTGGTGGGTCTGCAGAAATTGATTGAAAAGTTAATTTCCCAGGCTAAAAGATA-3'

ClinVar aggregate classification (germline): Likely pathogenic (1 of 4 stars; one submission).

Conditions:
Cardiovascular phenotype. Identifiers: MedGen CN230736.

Submission:

Ambry Genetics
Classification: Likely pathogenic for Cardiovascular phenotype. Last evaluated: 2026-05-15. Review status: criteria provided, single submitter. Criteria: Ambry Variant Classification Scheme 2023. Collection method: clinical testing. Allele origin: germline.
Comment: The c.38981dupG (p.C12994Wfs*2) alteration, located in exon 143 (coding exon 142) of the TTN gene, consists of a duplication of G at position 38981, causing a translational frameshift with a predicted alternate stop codon after 2 amino acids. This alteration is expected to result in loss of function by premature protein truncation or nonsense-mediated mRNA decay. This variant was not reported in population-based cohorts in the Genome Aggregation Database (gnomAD). This exon is located in the A-band region of the N2-B isoform of the titin protein and is constitutively expressed in TTN transcripts (percent spliced in or PSI 100%). Based on the available evidence, this alteration is classified as likely pathogenic.